The following is an entry in ClinVar:

NM_004181.5(UCHL1):c.250C>T (p.Gln84Ter)

Gene: UCHL1 (ubiquitin C-terminal hydrolase L1; plus strand). Cytogenetic location: 4p13.
Variant type: single nucleotide variant.
Coding change: c.250C>T on transcript NM_004181.5 (MANE Select); coding-DNA position 250, C replaced by T.
Protein change: p.Gln84Ter; replaces glutamine 84 with a stop codon.
Molecular consequence: nonsense.
Genome position (GRCh38, 1-based): chr4:41,260,722, C>T. VCF-style: chr4-41260722-C-T. GRCh37 (hg19) VCF-style: chr4-41262739-C-T.
Other names: short protein forms Q84*.
Identifiers: ClinVar variation 1699069 (VCV001699069.4), dbSNP rs2154087189, ClinGen allele CA356732326.

ClinVar aggregate classification (germline): Pathogenic (1 of 4 stars; one submission).

Conditions:
Spastic paraplegia 79A, autosomal dominant, with ataxia (SPG79A). Also called: Spastic paraplegia 79A, autosomal dominant. Identifiers: MedGen C5774300, MONDO:0859363, OMIM 620221.

Submission:

Victorian Clinical Genetics Services, Murdoch Childrens Research Institute
Classification: Pathogenic for Spastic paraplegia 79A, autosomal dominant, with ataxia. Last evaluated: 2024-09-20. Review status: criteria provided, single submitter. Criteria: ACMG Guidelines, 2015. Collection method: clinical testing. Allele origin: germline. Inheritance: Autosomal dominant inheritance. Affected: yes.
Comment: Based on the classification scheme VCGS_Germline_v1.3.4, this variant is classified as Pathogenic. Following criteria are met: 0102 - Loss of function is a known mechanism of disease in this gene and is associated with spastic paraplegia 79, autosomal recessive (MIM#615491) and spastic paraplegia 79A, autosomal dominant (MIM#620221). (I) 0108 - This gene is associated with both recessive and dominant disease (OMIM). (I) 0201 - Variant is predicted to cause nonsense-mediated decay (NMD) and loss of protein (premature termination codon is located at least 54 nucleotides upstream of the final exon-exon junction). (SP) 0251 - This variant is heterozygous. (I) 0301 - Variant is absent from gnomAD (both v2 and v3). (SP) 0701 - Other NMD-predicted variants comparable to the one identified in this case have very strong previous evidence for pathogenicity (DECIPHER, PMID: 35986737). (SP) 0807 - This variant has no previous evidence of pathogenicity. (I) 0905 - No published segregation evidence has been identified for this variant. (I) 1007 - No published functional evidence has been identified for this variant. (I) 1208 - Inheritance information for this variant is not currently available in this individual. (I) Legend: (SP) - Supporting pathogenic, (I) - Information, (SB) - Supporting benign

Literature cited by the submitters: PubMed 35986737.